The following is an entry in ClinVar:

ClinVar aggregate classification (germline): Likely pathogenic (1 of 4 stars; one submission).

Submission:

GeneDx
Classification: Likely pathogenic. Last evaluated: 2025-04-17. Review status: criteria provided, single submitter. Criteria: GeneDx Variant Classification Process June 2021. Collection method: clinical testing. Allele origin: germline. Affected: yes.
Comment: Frameshift variant predicted to result in protein truncation or nonsense mediated decay in a gene for which loss of function is a known mechanism of disease; Not observed at significant frequency in large population cohorts (gnomAD); Has not been previously published as pathogenic or benign to our knowledge

NM_001943.5(DSG2):c.2176_2188del (p.Ser726fs)

Genes: DSG2 (desmoglein 2; plus strand), DSG2-AS1 (DSG2 antisense RNA 1; minus strand). Cytogenetic location: 18q12.1.
Variant type: Deletion.
Coding change: c.2176_2188del on transcript NM_001943.5 (MANE Select); coding-DNA positions 2176 to 2188, 13 bases deleted (TCTGGTAGAGCTA).
Protein change: p.Ser726fs; shifts the reading frame from serine 726.
Molecular consequence: frameshift variant.
Genome position (GRCh38, 1-based): chr18:31,542,694-31,542,706, TCTGGTAGAGCTA deleted. VCF-style (leftmost placement, unchanged base first): chr18-31542693-TTCTGGTAGAGCTA-T. GRCh37 (hg19) VCF-style: chr18-29122656-TTCTGGTAGAGCTA-T.
Other names: c.2176_2188delTCTGGTAGAGCTA, p.Ser726Profs (NM_001943.3); short protein forms S726fs.
Identifiers: ClinVar variation 4281851 (VCV004281851.1).
Genomic context (GRCh38, chr18:31,542,693, plus strand): 5'-CAAAGGGCAACATGAGATGTCCGAGATGGATGGAAGGTGGGAAGAACACAGAAGCCTGCT[TTCTGGTAGAGCTA>T]CCCAGTTTACAGGGGCCACAGGCGCTATCATGACCACTGAAACCACGAAGACCGCAAGGG-3'